The following is an entry in ClinVar:

ClinVar aggregate classification (germline): Uncertain significance (1 of 4 stars; one submission).

Conditions:
Glycogen storage disease, type II (IOPD). Also called: Pompe Disease; CARDIOMEGALIA GLYCOGENICA DIFFUSA; GLYCOGENOSIS, GENERALIZED, CARDIAC FORM; GSD II; POMPE DISEASE, INFANTILE-ONSET; GLYCOGEN STORAGE DISEASE II, INFANTILE-ONSET. Identifiers: Orphanet 365, MedGen C0017921, MONDO:0009290, OMIM 232300.

Submission:

Genomenon, Inc
Classification: Uncertain significance for Glycogen storage disease, type II. Last evaluated: 2026-07-01. Review status: criteria provided, single submitter. Criteria: Genomenon Sequence Variant Interpretation Standards - Updated. Collection method: curation. Allele origin: germline. Affected: yes.
Comment: GAA c.1636+5G>A is an intronic variant located in the donor splice region of intron 11. This variant has been observed in at least one proband with a GAA-related disorder (PMID:31606152). It is absent or not present at a significant frequency in gnomAD. In silico models predict that this variant is possibly or probably damaging. In conclusion, we classify GAA c.1636+5G>A as a variant of uncertain significance.

Literature cited by the submitters: PubMed 31606152.

NM_000152.5(GAA):c.1636+5G>A

Gene: GAA (alpha glucosidase; plus strand). Cytogenetic location: 17q25.3.
Variant type: single nucleotide variant.
Coding change: c.1636+5G>A on transcript NM_000152.5 (MANE Select); 5 bases into the intron after coding-DNA position 1636, G replaced by A.
Molecular consequence: intron variant.
Genome position (GRCh38, 1-based): chr17:80,111,030, G>A. VCF-style: chr17-80111030-G-A. GRCh37 (hg19) VCF-style: chr17-78084829-G-A.
Other names: c.1636+5G>A (NM_001406741.1, NM_001406742.1, NM_001079803.3 and 1 more transcripts).
Identifiers: ClinVar variation 4876302 (VCV004876302.1).